The following is an entry in ClinVar:

NM_000053.4(ATP7B):c.1564G>A (p.Ala522Thr)

Gene: ATP7B (ATPase copper transporting beta; minus strand). Cytogenetic location: 13q14.3.
Variant type: single nucleotide variant.
Coding change: c.1564G>A on transcript NM_000053.4 (MANE Select); coding-DNA position 1564, G replaced by A.
Protein change: p.Ala522Thr; replaces alanine 522 with threonine.
Molecular consequence: missense variant. On other transcripts: intron variant (3).
Genome position (GRCh38, 1-based): chr13:51,968,587, C>T on the plus strand (G>A on the coding strand, the complement: ATP7B is on the minus strand). VCF-style: chr13-51968587-C-T. GRCh37 (hg19) VCF-style: chr13-52542723-C-T.
Other names: c.1564G>A, p.Ala522Thr (NM_001406541.1, NM_001406542.1, NM_001406545.1 and 26 more transcripts); c.1468G>A, p.Ala490Thr (NM_001406543.1, NM_001406544.1, NM_001406517.1 and 3 more transcripts); c.1285+5348G>A (NM_001406548.1); c.1544-13G>A (NM_001406524.1, NM_001406514.1); c.1231G>A, p.Ala411Thr (NM_001243182.2); c.1135G>A, p.Ala379Thr (NM_001406539.1); short protein forms A379T, A411T, A490T, A522T.
Identifiers: ClinVar variation 3074222 (VCV003074222.1), dbSNP rs2547779438, ClinGen allele CA388034327.

ClinVar aggregate classification (germline): Uncertain significance (1 of 4 stars; one submission).

Conditions:
Wilson disease (WND). Also called: Wilson's disease. Identifiers: Orphanet 905, MedGen C0019202, MONDO:0010200, OMIM 277900. Disease mechanism: loss of function.

Submission:

All of Us Research Program, National Institutes of Health
Classification: Uncertain significance for Wilson disease. Last evaluated: 2023-11-02. Review status: criteria provided, single submitter. Criteria: ACMG Guidelines, 2015. Collection method: clinical testing. Allele origin: germline. Inheritance: Autosomal recessive inheritance. Observed: 1 variant allele, 1 heterozygote.
Comment: This missense variant replaces alanine with threonine at codon 522 of the ATP7B protein. Computational prediction is inconclusive regarding the impact of this variant on protein structure and function (internally defined REVEL score threshold 0.5 < inconclusive < 0.7, PMID: 27666373). To our knowledge, functional studies have not been reported for this variant. This variant has not been reported in individuals affected with ATP7B-related disorders in the literature. This variant has not been identified in the general population by the Genome Aggregation Database (gnomAD). The available evidence is insufficient to determine the role of this variant in disease conclusively. Therefore, this variant is classified as a Variant of Uncertain Significance.

This study involves interpretation of variants in research participants for the purpose of population health screening. Participant phenotype was not available at the time of variant classification. Additional details can be found in publication PMID: 35346344, PMCID: PMC8962531